The following is an entry in ClinVar:

NM_005655.4(KLF10):c.887G>T (p.Ser296Ile)

Gene: KLF10 (KLF transcription factor 10; minus strand). Cytogenetic location: 8q22.3.
Variant type: single nucleotide variant.
Coding change: c.887G>T on transcript NM_005655.4 (MANE Select); coding-DNA position 887, G replaced by T.
Protein change: p.Ser296Ile; replaces serine 296 with isoleucine.
Molecular consequence: missense variant.
Genome position (GRCh38, 1-based): chr8:102,651,445, C>A on the plus strand (G>T on the coding strand, the complement: KLF10 is on the minus strand). VCF-style: chr8-102651445-C-A. GRCh37 (hg19) VCF-style: chr8-103663673-C-A.
Other names: c.854G>T, p.Ser285Ile (NM_001032282.4); short protein forms S296I, S285I.
Identifiers: ClinVar variation 1992075 (VCV001992075.4), dbSNP rs147032101, ClinGen allele CA182540858.
Genomic context (GRCh38, chr8:102,651,445, plus strand): 5'-GCGCCTTTGGGGACTTGTGTGCCCATGAACACAACAGGGGGGCAAACGGCTGGTGGCTGG[C>A]TGGGAGGAGTGCTGGGAACGACTGTTGTCACAACAGGGTTGTTGGCAGGAAGGGGAACCA-3'
Protein context (NP_005646.1, residues 286-306): VTTVVPSTPP[Ser296Ile]QPPAVCPPVV

ClinVar aggregate classification (germline): Uncertain significance (1 of 4 stars; one submission).

Allele frequency attached by ClinVar (database versions not stated): gnomAD exomes below 0.00001; gnomAD 0.00001; TOPMed 0.00001; ESP Exome Variant Server 0.00008.

Submission:

Labcorp Genetics (formerly Invitae), Labcorp
Classification: Uncertain significance. Last evaluated: 2024-03-11. Review status: criteria provided, single submitter. Criteria: Invitae Variant Classification Sherloc (09022015). Collection method: clinical testing. Allele origin: germline.
Comment: This sequence change replaces serine, which is neutral and polar, with isoleucine, which is neutral and non-polar, at codon 296 of the KLF10 protein (p.Ser296Ile). This variant is present in population databases (rs147032101, gnomAD 0.007%). This variant has not been reported in the literature in individuals affected with KLF10-related conditions. ClinVar contains an entry for this variant (Variation ID: 1992075). An algorithm developed to predict the effect of missense changes on protein structure and function (PolyPhen-2) suggests that this variant is likely to be disruptive. In summary, the available evidence is currently insufficient to determine the role of this variant in disease. Therefore, it has been classified as a Variant of Uncertain Significance.